The following is an entry in ClinVar:

ClinVar aggregate classification (germline): Uncertain significance. Review status: criteria provided, multiple submitters, no conflicts (2 of 4 stars). 3 submissions from 3 submitters: Uncertain significance (3). Last evaluated 2024-04-08.

Conditions:
Short-rib thoracic dysplasia 14 with polydactyly (SRTD14). Identifiers: Orphanet 397715, MedGen C4225286, MONDO:0014688, OMIM 616546.
Joubert syndrome 23 (JBTS23). Identifiers: Orphanet 475, MedGen C4084822, MONDO:0014664, OMIM 616490.
Inborn genetic diseases. Identifiers: MedGen C0950123, MeSH D030342.

Allele frequency attached by ClinVar (database versions not stated): gnomAD 0.00001; ExAC 0.00010; 1000 Genomes Project 30x 0.00016; 1000 Genomes Project 0.00020.
gnomAD v4.1: 5 of 1,513,710 alleles (0.00033%); highest among the groups gnomAD compares: South Asian, 0.0068%; 1 homozygote.

Submissions (3):

Ambry Genetics
Classification: Uncertain significance for Inborn genetic diseases. Last evaluated: 2024-04-08. Review status: criteria provided, single submitter. Criteria: Ambry Variant Classification Scheme 2023. Collection method: clinical testing. Allele origin: germline.

Labcorp Genetics (formerly Invitae), Labcorp
Classification: Uncertain significance for Joubert syndrome 23; Short-rib thoracic dysplasia 14 with polydactyly. Last evaluated: 2024-02-24. Review status: criteria provided, single submitter. Criteria: Invitae Variant Classification Sherloc (09022015). Collection method: clinical testing. Allele origin: germline.
Comment: This sequence change replaces tryptophan, which is neutral and slightly polar, with cysteine, which is neutral and slightly polar, at codon 464 of the KIAA0586 protein (p.Trp464Cys). The frequency data for this variant in the population databases is considered unreliable, as metrics indicate poor data quality at this position in the gnomAD database. This variant has not been reported in the literature in individuals affected with KIAA0586-related conditions. ClinVar contains an entry for this variant (Variation ID: 1367656). Advanced modeling of protein sequence and biophysical properties (such as structural, functional, and spatial information, amino acid conservation, physicochemical variation, residue mobility, and thermodynamic stability) performed at Invitae indicates that this missense variant is expected to disrupt KIAA0586 protein function with a positive predictive value of 80%. In summary, the available evidence is currently insufficient to determine the role of this variant in disease. Therefore, it has been classified as a Variant of Uncertain Significance.

Neuberg Centre For Genomic Medicine, NCGM
Classification: Uncertain significance for Short-rib thoracic dysplasia 14 with polydactyly. Review status: criteria provided, single submitter. Criteria: ACMG Guidelines, 2015. Collection method: clinical testing. Allele origin: germline. Inheritance: Autosomal recessive inheritance. Affected: yes.
Comment: The missense variant p.W411C in KIAA0586 (NM_001329943.3) has not been reported previously as a pathogenic variant nor as a benign variant, to our knowledge. The p.W411C variant has a gnomAD frequency of 0.002061 %. There is a large physicochemical difference between tryptophan and cysteine, which is likely to impact secondary protein structure as these residues differ in polarity, charge, size and/or other properties. The variant is predicted to be damaging by SIFT and the residue is conserved across species. The amino acid change p.Trp411Cys in KIAA0586 is predicted as conserved by GERP++ and PhyloP across 100 vertebrates. For these reasons, this variant has been classified as Uncertain Significance. No other significant variants in this gene were detected.

NM_001329943.3(KIAA0586):c.1233G>T (p.Trp411Cys)

Gene: KIAA0586 (KIAA0586; plus strand). Cytogenetic location: 14q23.1.
Variant type: single nucleotide variant.
Coding change: c.1233G>T on transcript NM_001329943.3 (MANE Select); coding-DNA position 1233, G replaced by T.
Protein change: p.Trp411Cys; replaces tryptophan 411 with cysteine.
Molecular consequence: missense variant.
Genome position (GRCh38, 1-based): chr14:58,453,453, G>T. VCF-style: chr14-58453453-G-T. GRCh37 (hg19) VCF-style: chr14-58920171-G-T.
Other names: c.1392G>T, p.Trp464Cys (NM_001244189.2); c.1188G>T, p.Trp396Cys (NM_001244190.2); c.978G>T, p.Trp326Cys (NM_001244191.2, NM_001329945.2, NM_001364700.1 and 1 more transcripts); c.1101G>T, p.Trp367Cys (NM_001244192.2); c.813G>T, p.Trp271Cys (NM_001244193.2); c.1233G>T, p.Trp411Cys (NM_001329944.2, NM_001329946.2, NM_001329947.2 and 1 more transcripts); c.1233G>T (NM_014749.3); short protein forms W271C, W326C, W367C, W396C, W464C, W411C.
Identifiers: ClinVar variation 1367656 (VCV001367656.7), dbSNP rs548318176, ClinGen allele CA7205584.